The following is an entry in ClinVar:

NM_004415.4(DSP):c.7579C>G (p.Gln2527Glu)

Gene: DSP (desmoplakin; plus strand). Cytogenetic location: 6p24.3.
Variant type: single nucleotide variant.
Coding change: c.7579C>G on transcript NM_004415.4 (MANE Select); coding-DNA position 7579, C replaced by G.
Protein change: p.Gln2527Glu; replaces glutamine 2527 with glutamic acid.
Molecular consequence: missense variant.
Genome position (GRCh38, 1-based): chr6:7,584,841, C>G. VCF-style: chr6-7584841-C-G. GRCh37 (hg19) VCF-style: chr6-7585074-C-G.
Other names: c.5782C>G, p.Gln1928Glu (NM_001008844.3); c.6250C>G, p.Gln2084Glu (NM_001319034.2); short protein forms Q2527E, Q1928E, Q2084E.
Identifiers: ClinVar variation 1502541 (VCV001502541.10), dbSNP rs2113702673, ClinGen allele CA362693320.

ClinVar aggregate classification (germline): Uncertain significance. Review status: criteria provided, multiple submitters, no conflicts (2 of 4 stars). 2 submissions from 2 submitters: Uncertain significance (2). Last evaluated 2020-12-25.

Conditions:
Cardiovascular phenotype. Identifiers: MedGen CN230736.
Arrhythmogenic cardiomyopathy with wooly hair and keratoderma. Also called: Carvajal syndrome; Arrhythmogenic cardiomyopathy with woolly hair and keratoderma; PALMOPLANTAR KERATODERMA WITH LEFT VENTRICULAR CARDIOMYOPATHY AND WOOLLY HAIR; Dilated cardiomyopathy with woolly hair and keratoderma. Identifiers: Orphanet 65282, MedGen C1854063, MONDO:0011581, OMIM 605676.
Arrhythmogenic right ventricular dysplasia 8 (ARVD8). Also called: ARRHYTHMOGENIC RIGHT VENTRICULAR DYSPLASIA, FAMILIAL, 8; Arrhythmogenic Right Ventricular Dysplasia/Cardiomyopathy 8; ARRHYTHMOGENIC RIGHT VENTRICULAR CARDIOMYOPATHY 8. Identifiers: MedGen C1843896, MONDO:0011831, OMIM 607450.

Submissions (2):

Labcorp Genetics (formerly Invitae), Labcorp
Classification: Uncertain significance for Arrhythmogenic cardiomyopathy with wooly hair and keratoderma; Arrhythmogenic right ventricular dysplasia 8. Last evaluated: 2020-12-25. Review status: criteria provided, single submitter. Criteria: Invitae Variant Classification Sherloc (09022015). Collection method: clinical testing. Allele origin: germline.
Comment: This variant is not present in population databases (ExAC no frequency). This sequence change replaces glutamine with glutamic acid at codon 2527 of the DSP protein (p.Gln2527Glu). The glutamine residue is highly conserved and there is a small physicochemical difference between glutamine and glutamic acid. In summary, the available evidence is currently insufficient to determine the role of this variant in disease. Therefore, it has been classified as a Variant of Uncertain Significance. Algorithms developed to predict the effect of missense changes on protein structure and function are either unavailable or do not agree on the potential impact of this missense change (SIFT: "Deleterious"; PolyPhen-2: "Probably Damaging"; Align-GVGD: "Class C0"). This variant has not been reported in the literature in individuals with DSP-related conditions.

Ambry Genetics
Classification: Uncertain significance for Cardiovascular phenotype. Last evaluated: 2020-11-18. Review status: criteria provided, single submitter. Criteria: Ambry Variant Classification Scheme 2023. Collection method: clinical testing. Allele origin: germline.
Comment: The p.Q2527E variant (also known as c.7579C>G), located in coding exon 24 of the DSP gene, results from a C to G substitution at nucleotide position 7579. The glutamine at codon 2527 is replaced by glutamic acid, an amino acid with highly similar properties. This amino acid position is highly conserved in available vertebrate species. In addition, the in silico prediction for this alteration is inconclusive. Since supporting evidence is limited at this time, the clinical significance of this alteration remains unclear.